The following is an entry in ClinVar:

ClinVar aggregate classification (germline): Uncertain significance (1 of 4 stars; one submission).

gnomAD v4.1: 1 of 1,554,738 alleles (0.000064%); highest among the groups gnomAD compares: Non-Finnish European, 0.000087%; no homozygotes.

Submission:

GeneDx
Classification: Uncertain significance. Last evaluated: 2025-08-11. Review status: criteria provided, single submitter. Criteria: GeneDx Variant Classification Process June 2021. Collection method: clinical testing. Allele origin: germline. Affected: yes.
Comment: Not observed at significant frequency in large population cohorts (gnomAD); In silico analysis supports that this missense variant has a deleterious effect on protein structure/function; Has not been previously published as pathogenic or benign to our knowledge

NM_016604.4(KDM3B):c.3979A>G (p.Lys1327Glu)

Gene: KDM3B (lysine demethylase 3B; plus strand). Cytogenetic location: 5q31.2.
Variant type: single nucleotide variant.
Coding change: c.3979A>G on transcript NM_016604.4 (MANE Select); coding-DNA position 3979, A replaced by G.
Protein change: p.Lys1327Glu; replaces lysine 1327 with glutamic acid.
Molecular consequence: missense variant.
Genome position (GRCh38, 1-based): chr5:138,424,081, A>G. VCF-style: chr5-138424081-A-G. GRCh37 (hg19) VCF-style: chr5-137759770-A-G.
Other names: short protein forms K1327E.
Identifiers: ClinVar variation 4795590 (VCV004795590.1).
Genomic context (GRCh38, chr5:138,424,081, plus strand): 5'-TGCCGTTCTCATGGTGCCTCAGTCAAGCTTACCTGGTGGATTTGTGTCTGGCAGGGAGTG[A>G]AGAGCAAGGCCAGCCTACCCAACTTTCTTGACCACATCATTGCCTCAGTGGTAGAAAATA-3'
Protein context (NP_057688.3, residues 1317-1337): PVFSTSSAGV[Lys1327Glu]SKASLPNFLD